The following is an entry in ClinVar:

ClinVar aggregate classification (germline): Pathogenic (1 of 4 stars; one submission).

Conditions:
Parathyroid carcinoma (PRTC). Also called: Parathyroid gland carcinoma; CDC73-Related Parathyroid Carcinoma. Identifiers: Orphanet 143, MedGen C0687150, MONDO:0012004, OMIM 608266, HP:0006780.

Submission:

Labcorp Genetics (formerly Invitae), Labcorp
Classification: Pathogenic for Parathyroid carcinoma. Last evaluated: 2024-01-08. Review status: criteria provided, single submitter. Criteria: Invitae Variant Classification Sherloc (09022015). Collection method: clinical testing. Allele origin: unknown.
Comment: This variant is a gross deletion of the genomic region encompassing exon(s) 1-10 of the CDC73 gene, which includes the initiator codon. This deletion extends beyond the assayed region for this gene and therefore may encompass additional genes. It is expected to result in an absent or disrupted protein product. Loss-of-function variants in CDC73 are known to be pathogenic (PMID: 12434154). A similar copy number variant has been observed in individual(s) with CDC73-related conditions (PMID: 24823466, 29755684). It has also been observed to segregate with disease in related individuals. For these reasons, this variant has been classified as Pathogenic.

Literature cited by the submitters: PubMed 12434154; PubMed 24823466; PubMed 29755684.

NC_000001.10:g.(?_193091331)_(193121594_?)del

Gene: CDC73 (cell division cycle 73; plus strand). Cytogenetic location: 1q31.2.
Variant type: Deletion.
Identifiers: ClinVar variation 3247699 (VCV003247699.1).